The following is an entry in ClinVar:

ClinVar aggregate classification (germline): Uncertain significance (1 of 4 stars; one submission).

Conditions:
Cardiovascular phenotype. Identifiers: MedGen CN230736.

Submission:

Ambry Genetics
Classification: Uncertain significance for Cardiovascular phenotype. Last evaluated: 2019-03-05. Review status: criteria provided, single submitter. Criteria: Ambry Variant Classification Scheme 2023. Collection method: clinical testing. Allele origin: germline.
Comment: The c.135delA variant, located in coding exon 2 of the MYOZ2 gene, results from a deletion of one nucleotide at nucleotide position 135, causing a translational frameshift with a predicted alternate stop codon (p.E46Nfs*36). This alteration is expected to result in loss of function by premature protein truncation or nonsense-mediated mRNA decay. However, loss of function of MYOZ2 has not been clearly established as a mechanism of disease. Since supporting evidence is limited at this time, the clinical significance of this alteration remains unclear.

NM_016599.5(MYOZ2):c.135del (p.Glu46fs)

Gene: MYOZ2 (myozenin 2; plus strand). Cytogenetic location: 4q26.
Variant type: Deletion.
Coding change: c.135del on transcript NM_016599.5 (MANE Select); coding-DNA position 135, one base deleted (A; older notation c.135delA).
Protein change: p.Glu46fs; shifts the reading frame from glutamic acid 46.
Molecular consequence: frameshift variant.
Genome position (GRCh38, 1-based): chr4:119,150,930, A deleted; the last of 2 consecutive A bases (chr4:119,150,929-119,150,930); deleting either gives the same sequence. VCF-style (leftmost placement, unchanged base first): chr4-119150928-GA-G. GRCh37 (hg19) VCF-style: chr4-120072083-GA-G.
Other names: short protein forms E46fs.
Identifiers: ClinVar variation 1770798 (VCV001770798.2), dbSNP rs2476784146, ClinGen allele CA2580071415.